The following is an entry in ClinVar:

ClinVar aggregate classification (germline): Likely benign (1 of 4 stars; one submission).

Allele frequency attached by ClinVar (database versions not stated): gnomAD 0.00009; TOPMed 0.00010; gnomAD exomes 0.00011; ExAC 0.00016; 1000 Genomes Project 30x 0.00031; ESP Exome Variant Server 0.00031; 1000 Genomes Project 0.00040.
gnomAD v4.1: 194 of 1,613,998 alleles (0.012%); highest among the groups gnomAD compares: Middle Eastern, 0.066%; 1 homozygote.

Submission:

CeGaT Center for Human Genetics Tuebingen
Classification: Likely benign. Last evaluated: 2023-05-01. Review status: criteria provided, single submitter. Criteria: CeGaT Center For Human Genetics Tuebingen Variant Classification Criteria Version 2. Collection method: clinical testing. Allele origin: germline. Affected: yes. Observed: 1 variant allele.
Comment: WDFY3: BP4, BP7

NM_014991.6(WDFY3):c.7137G>A (p.Arg2379=)

Gene: WDFY3 (WD repeat and FYVE domain containing 3; minus strand). Cytogenetic location: 4q21.23.
Variant type: single nucleotide variant.
Coding change: c.7137G>A on transcript NM_014991.6 (MANE Select); coding-DNA position 7137, G replaced by A.
Protein change: p.Arg2379=; no amino-acid change (arginine 2379 retained).
Molecular consequence: synonymous variant.
Genome position (GRCh38, 1-based): chr4:84,733,466, C>T on the plus strand (G>A on the coding strand, the complement: WDFY3 is on the minus strand). VCF-style: chr4-84733466-C-T. GRCh37 (hg19) VCF-style: chr4-85654619-C-T.
Identifiers: ClinVar variation 2654866 (VCV002654866.24), dbSNP rs139607760, ClinGen allele CA2992694.